The following is an entry in ClinVar:

NM_000384.3(APOB):c.2346G>C (p.Glu782Asp)

Gene: APOB (apolipoprotein B; minus strand). Cytogenetic location: 2p24.1.
Variant type: single nucleotide variant.
Coding change: c.2346G>C on transcript NM_000384.3 (MANE Select); coding-DNA position 2346, G replaced by C.
Protein change: p.Glu782Asp; replaces glutamic acid 782 with aspartic acid.
Molecular consequence: missense variant.
Genome position (GRCh38, 1-based): chr2:21,025,023, C>G on the plus strand (G>C on the coding strand, the complement: APOB is on the minus strand). VCF-style: chr2-21025023-C-G. GRCh37 (hg19) VCF-style: chr2-21247895-C-G.
Other names: short protein forms E782D.
Identifiers: ClinVar variation 1789926 (VCV001789926.7), dbSNP rs770250347, ClinGen allele CA055911.

ClinVar aggregate classification (germline): Conflicting classifications of pathogenicity. Review status: criteria provided, conflicting classifications (1 of 4 stars). 2 submissions from 2 submitters: Uncertain significance (1); Likely benign (1). Last evaluated 2023-08-07.

Conditions:
Cardiovascular phenotype. Identifiers: MedGen CN230736.
Familial hypobetalipoproteinemia 1. Also called: Hypobetalipoproteinemia, normotriglyceridemic; Acanthocytosis with hypobetalipoproteinemia; APOB-Related Familial Hypobetalipoproteinemia. Identifiers: MedGen C4551990, MONDO:0014252, OMIM 615558.
Hypercholesterolemia, autosomal dominant, type B (FHCL2). Also called: Familial Hypercholesterolemia Type B; APOLIPOPROTEIN B-100, FAMILIAL DEFECTIVE; APOLIPOPROTEIN B-100, FAMILIAL LIGAND-DEFECTIVE; HYPERCHOLESTEROLEMIA, FAMILIAL, DUE TO LIGAND-DEFECTIVE APOLIPOPROTEIN B; Familial hypercholesterolemia 2; APOB-Related Familial Hypercholesterolemia, Autosomal Dominant. Identifiers: MedGen C1704417, MONDO:0007751, OMIM 144010.

Allele frequency attached by ClinVar (database versions not stated): ExAC 0.00004; gnomAD 0.00001; gnomAD exomes 0.00002.
gnomAD v4.1: 27 of 1,614,254 alleles (0.0017%); highest among the groups gnomAD compares: South Asian, 0.027%; no homozygotes.

Submissions (2):

Labcorp Genetics (formerly Invitae), Labcorp
Classification: Likely benign for Familial hypobetalipoproteinemia 1; Hypercholesterolemia, autosomal dominant, type B. Last evaluated: 2023-08-07. Review status: criteria provided, single submitter. Criteria: Invitae Variant Classification Sherloc (09022015). Collection method: clinical testing. Allele origin: germline.

Ambry Genetics
Classification: Uncertain significance for Cardiovascular phenotype. Last evaluated: 2022-08-27. Review status: criteria provided, single submitter. Criteria: Ambry Variant Classification Scheme 2023. Collection method: clinical testing. Allele origin: germline.
Comment: The p.E782D variant (also known as c.2346G>C), located in coding exon 16 of the APOB gene, results from a G to C substitution at nucleotide position 2346. The glutamic acid at codon 782 is replaced by aspartic acid, an amino acid with highly similar properties. This amino acid position is conserved. In addition, this alteration is predicted to be tolerated by in silico analysis. Since supporting evidence is limited at this time, the clinical significance of this alteration remains unclear.